The following is an entry in ClinVar:

NM_000334.4(SCN4A):c.90G>T (p.Gln30His)

Gene: SCN4A (sodium voltage-gated channel alpha subunit 4; minus strand). Cytogenetic location: 17q23.3.
Variant type: single nucleotide variant.
Coding change: c.90G>T on transcript NM_000334.4 (MANE Select); coding-DNA position 90, G replaced by T.
Protein change: p.Gln30His; replaces glutamine 30 with histidine.
Molecular consequence: missense variant.
Genome position (GRCh38, 1-based): chr17:63,972,752, C>A on the plus strand (G>T on the coding strand, the complement: SCN4A is on the minus strand). VCF-style: chr17-63972752-C-A. GRCh37 (hg19) VCF-style: chr17-62050112-C-A.
Other names: short protein forms Q30H.
Identifiers: ClinVar variation 2183514 (VCV002183514.4), dbSNP rs945475945, ClinGen allele CA292972907.
Genomic context (GRCh38, chr17:63,972,752, plus strand): 5'-GGGCTCCTCAATCTCCATCTGCTTATTCCGCTGCAGCCGGGCCTCCTCCTCCACCGCCCG[C>A]TGTTCTATGGCTGCCAGTGACTCCCGGGTGAAGGGGCGCAAGCACTCAGGGCCCAGAGGC-3'
Protein context (NP_000325.4, residues 20-40): FTRESLAAIE[Gln30His]RAVEEEARLQ

ClinVar aggregate classification (germline): Uncertain significance (1 of 4 stars; one submission).

Conditions:
Hyperkalemic periodic paralysis. Also called: Familial hyperkalemic periodic paralysis; Gamstorp disease. Identifiers: Orphanet 682, MedGen C0238357, MONDO:0008224, OMIM 170500, HP:0007215.

gnomAD v4.1: 1 of 1,613,806 alleles (0.000062%); no homozygotes.

Submission:

Labcorp Genetics (formerly Invitae), Labcorp
Classification: Uncertain significance for Hyperkalemic periodic paralysis. Last evaluated: 2025-08-14. Review status: criteria provided, single submitter. Criteria: Invitae Variant Classification Sherloc (09022015). Collection method: clinical testing. Allele origin: germline.
Comment: This sequence change replaces glutamine, which is neutral and polar, with histidine, which is basic and polar, at codon 30 of the SCN4A protein (p.Gln30His). This variant is present in population databases (no rsID available, gnomAD no frequency). This variant has not been reported in the literature in individuals affected with SCN4A-related conditions. ClinVar contains an entry for this variant (Variation ID: 2183514). Invitae Evidence Modeling of protein sequence and biophysical properties (such as structural, functional, and spatial information, amino acid conservation, physicochemical variation, residue mobility, and thermodynamic stability) indicates that this missense variant is not expected to disrupt SCN4A protein function with a negative predictive value of 95%. In summary, the available evidence is currently insufficient to determine the role of this variant in disease. Therefore, it has been classified as a Variant of Uncertain Significance.